The following is an entry in ClinVar:

NM_001330260.2(SCN8A):c.5179C>A (p.His1727Asn)

Gene: SCN8A (sodium voltage-gated channel alpha subunit 8; plus strand). Cytogenetic location: 12q13.13.
Variant type: single nucleotide variant.
Coding change: c.5179C>A on transcript NM_001330260.2 (MANE Select); coding-DNA position 5179, C replaced by A.
Protein change: p.His1727Asn; replaces histidine 1727 with asparagine.
Molecular consequence: missense variant.
Genome position (GRCh38, 1-based): chr12:51,806,665, C>A. VCF-style: chr12-51806665-C-A. GRCh37 (hg19) VCF-style: chr12-52200449-C-A.
Other names: c.5056C>A, p.His1686Asn (NM_001177984.3, NM_001369788.1); c.5179C>A, p.His1727Asn (NM_014191.4); short protein forms H1686N, H1727N.
Identifiers: ClinVar variation 2672506 (VCV002672506.23), dbSNP rs2540334383, ClinGen allele CA384884256.

ClinVar aggregate classification (germline): Uncertain significance (1 of 4 stars; one submission).

Allele frequency attached by ClinVar (database versions not stated): gnomAD exomes below 0.00001.
gnomAD v4.1: 1 of 1,614,184 alleles (0.000062%); highest among the groups gnomAD compares: Non-Finnish European, 0.000085%; no homozygotes.

Submission:

CeGaT Center for Human Genetics Tuebingen
Classification: Uncertain significance. Last evaluated: 2023-11-01. Review status: criteria provided, single submitter. Criteria: CeGaT Center For Human Genetics Tuebingen Variant Classification Criteria Version 2. Collection method: clinical testing. Allele origin: germline. Affected: yes. Observed: 1 variant allele.
Comment: SCN8A: PM2, PP2